The following is an entry in ClinVar:

ClinVar aggregate classification (germline): Conflicting classifications of pathogenicity. Review status: criteria provided, conflicting classifications (1 of 4 stars). 3 submissions from 3 submitters: Uncertain significance (1); Benign (1); Likely benign (1). Last evaluated 2025-12-29.

Conditions:
Tuberous sclerosis syndrome (TSC). Also called: Tuberous Sclerosis Complex; Tuberous sclerosis. Identifiers: Orphanet 805, MedGen C0041341, MONDO:0001734.
Tuberous sclerosis 2 (TSC2). Identifiers: Orphanet 805, MedGen C1860707, MONDO:0013199, OMIM 613254.

gnomAD v4.1: 1 of 1,612,448 alleles (0.000062%); highest among the groups gnomAD compares: Non-Finnish European, 0.000085%; no homozygotes.

Submissions (3):

Labcorp Genetics (formerly Invitae), Labcorp
Classification: Benign for Tuberous sclerosis 2. Last evaluated: 2025-12-29. Review status: criteria provided, single submitter. Criteria: Invitae Variant Classification Sherloc (09022015). Collection method: clinical testing. Allele origin: germline.

Myriad Genetics, Inc.
Classification: Likely benign for Tuberous sclerosis 2. Last evaluated: 2025-06-05. Review status: criteria provided, single submitter. Criteria: Myriad Autosomal Dominant, Autosomal Recessive and X-Linked Classification Criteria (2023). Collection method: clinical testing. Allele origin: unknown.
Comment: This variant is considered likely benign. This variant is intronic and is not expected to impact mRNA splicing.

All of Us Research Program, National Institutes of Health
Classification: Uncertain significance for Tuberous sclerosis syndrome. Last evaluated: 2023-08-15. Review status: criteria provided, single submitter. Criteria: ACMG Guidelines, 2015. Collection method: clinical testing. Allele origin: germline. Inheritance: Autosomal dominant inheritance. Observed: 1 variant allele, 1 heterozygote.
Comment: This variant causes an A to C nucleotide substitution at the -11 position of intron 39 of the TSC2 gene. Splice site prediction tools are inconclusive regarding the impact of this variant on RNA splicing. To our knowledge, functional studies have not been reported for this variant. This variant has not been reported in individuals affected with TSC2-related disorders in the literature. This variant has not been identified in the general population by the Genome Aggregation Database (gnomAD). The available evidence is insufficient to determine the role of this variant in disease conclusively. Therefore, this variant is classified as a Variant of Uncertain Significance.

This study involves interpretation of variants in research participants for the purpose of population health screening. Participant phenotype was not available at the time of variant classification. Additional details can be found in publication PMID: 35346344, PMCID: PMC8962531

NM_000548.5(TSC2):c.5069-11A>C

Gene: TSC2 (TSC complex subunit 2; plus strand). Cytogenetic location: 16p13.3.
Variant type: single nucleotide variant.
Coding change: c.5069-11A>C on transcript NM_000548.5 (MANE Select); 11 bases into the intron before coding-DNA position 5069, A replaced by C.
Molecular consequence: intron variant.
Genome position (GRCh38, 1-based): chr16:2,088,037, A>C. VCF-style: chr16-2088037-A-C. GRCh37 (hg19) VCF-style: chr16-2138038-A-C.
Other names: c.5000-11A>C (NM_001114382.3); c.4940-11A>C (NM_021055.3, NM_001370405.1); c.4871-11A>C (NM_001363528.2); c.4937-11A>C (NM_001370404.1); c.4868-11A>C (NM_001077183.3); c.4760-11A>C (NM_001318827.2); c.4337-11A>C (NM_001318831.2); c.4724-11A>C (NM_001318829.2); and 1 more.
Identifiers: ClinVar variation 2193593 (VCV002193593.6), dbSNP rs562381623, ClinGen allele CA2580091146.
Genomic context (GRCh38, chr16:2,088,037, plus strand): 5'-TAGGGCCGGGTGGGGCCCTGCAGTGTGGCGCCAAGAGCCCTGGGCCTGGCGTGACCACCA[A>C]GTCTCCCCAGACATGGAGGGCCTTGTGGACACCAGCGTGGCCAAGATCGTGTCTGACCGC-3'